The following is an entry in ClinVar:

ClinVar aggregate classification (germline): Uncertain significance (1 of 4 stars; one submission).

Submission:

Labcorp Genetics (formerly Invitae), Labcorp
Classification: Uncertain significance. Last evaluated: 2024-06-05. Review status: criteria provided, single submitter. Criteria: Invitae Variant Classification Sherloc (09022015). Collection method: clinical testing. Allele origin: germline.
Comment: This sequence change replaces glutamine, which is neutral and polar, with glutamic acid, which is acidic and polar, at codon 2795 of the ANK3 protein (p.Gln2795Glu). This variant is not present in population databases (gnomAD no frequency). This variant has not been reported in the literature in individuals affected with ANK3-related conditions. Advanced modeling of protein sequence and biophysical properties (such as structural, functional, and spatial information, amino acid conservation, physicochemical variation, residue mobility, and thermodynamic stability) performed at Invitae indicates that this missense variant is not expected to disrupt ANK3 protein function with a negative predictive value of 80%. In summary, the available evidence is currently insufficient to determine the role of this variant in disease. Therefore, it has been classified as a Variant of Uncertain Significance.

NM_020987.5(ANK3):c.8383C>G (p.Gln2795Glu)

Gene: ANK3 (ankyrin 3; minus strand). Cytogenetic location: 10q21.2.
Variant type: single nucleotide variant.
Coding change: c.8383C>G on transcript NM_020987.5 (MANE Select); coding-DNA position 8383, C replaced by G.
Protein change: p.Gln2795Glu; replaces glutamine 2795 with glutamic acid.
Molecular consequence: missense variant. On other transcripts: intron variant (4).
Genome position (GRCh38, 1-based): chr10:60,072,498, G>C on the plus strand (C>G on the coding strand, the complement: ANK3 is on the minus strand). VCF-style: chr10-60072498-G-C. GRCh37 (hg19) VCF-style: chr10-61832256-G-C.
Other names: c.4388-4489C>G (NM_001204403.2); c.4409-4489C>G (NM_001204404.2); c.4406-4489C>G (NM_001320874.2); c.1808-4489C>G (NM_001149.4); short protein forms Q2795E.
Identifiers: ClinVar variation 3694878 (VCV003694878.2).